The following is an entry in ClinVar:

NC_000022.11:g.40346409T>C

Gene: ADSL (adenylosuccinate lyase; plus strand). Cytogenetic location: 22q13.1.
Variant type: single nucleotide variant.
Genome position: GRCh38 VCF-style: chr22-40346409-T-C. GRCh37 (hg19) VCF-style: chr22-40742413-T-C.
Identifiers: ClinVar variation 1354923 (VCV001354923.6), dbSNP rs2146611034, ClinGen allele CA2573158355.

ClinVar aggregate classification (germline): Uncertain significance (1 of 4 stars; one submission).

Conditions:
Adenylosuccinate lyase deficiency (ADSLD). Also called: ADSL DEFICIENCY. Identifiers: Orphanet 46, MedGen C0268126, MONDO:0007068, OMIM 103050.

Submission:

Labcorp Genetics (formerly Invitae), Labcorp
Classification: Uncertain significance for Adenylosuccinate lyase deficiency. Last evaluated: 2021-05-18. Review status: criteria provided, single submitter. Criteria: Invitae Variant Classification Sherloc (09022015). Collection method: clinical testing. Allele origin: germline.
Comment: In summary, the available evidence is currently insufficient to determine the role of this variant in disease. Therefore, it has been classified as a Variant of Uncertain Significance. Experimental studies and prediction algorithms are not available or were not evaluated, and the functional significance of this variant is currently unknown. This variant has not been reported in the literature in individuals with ADSL-related conditions. The frequency data for this variant in the population databases is considered unreliable, as metrics indicate insufficient coverage at this position in the ExAC database. This variant occurs in a non-coding region of the ADSL gene. It does not change the encoded amino acid sequence of the ADSL protein.